The following is an entry in ClinVar:

ClinVar aggregate classification (germline): Uncertain significance (1 of 4 stars; one submission).

Conditions:
Rhabdoid tumor predisposition syndrome 2 (RTPS2). Identifiers: Orphanet 231108, Orphanet 69077, MedGen C2750074, MONDO:0013224, OMIM 613325.

Allele frequency attached by ClinVar (database versions not stated): gnomAD exomes below 0.00001.
gnomAD v4.1: 1 of 1,613,930 alleles (0.000062%); highest among the groups gnomAD compares: Non-Finnish European, 0.000085%; no homozygotes.

Submission:

Labcorp Genetics (formerly Invitae), Labcorp
Classification: Uncertain significance for Rhabdoid tumor predisposition syndrome 2. Last evaluated: 2022-08-16. Review status: criteria provided, single submitter. Criteria: Invitae Variant Classification Sherloc (09022015). Collection method: clinical testing. Allele origin: germline.
Comment: In summary, the available evidence is currently insufficient to determine the role of this variant in disease. Therefore, it has been classified as a Variant of Uncertain Significance. This sequence change replaces glycine, which is neutral and non-polar, with aspartic acid, which is acidic and polar, at codon 1067 of the SMARCA4 protein (p.Gly1067Asp). This variant is not present in population databases (gnomAD no frequency). This variant has not been reported in the literature in individuals affected with SMARCA4-related conditions. ClinVar contains an entry for this variant (Variation ID: 1017819). Algorithms developed to predict the effect of missense changes on protein structure and function are either unavailable or do not agree on the potential impact of this missense change (SIFT: "Deleterious"; PolyPhen-2: "Benign"; Align-GVGD: "Class C0").

NM_003072.5(SMARCA4):c.3200G>A (p.Gly1067Asp)

Gene: SMARCA4 (SWI/SNF related BAF chromatin remodeling complex subunit ATPase 4; plus strand). Cytogenetic location: 19p13.2.
Variant type: single nucleotide variant.
Coding change: c.3200G>A on transcript NM_003072.5 (MANE Select); coding-DNA position 3200, G replaced by A.
Protein change: p.Gly1067Asp; replaces glycine 1067 with aspartic acid.
Molecular consequence: missense variant. On other transcripts: non-coding transcript variant (1).
Genome position (GRCh38, 1-based): chr19:11,026,331, G>A. VCF-style: chr19-11026331-G-A. GRCh37 (hg19) VCF-style: chr19-11137007-G-A.
Other names: c.3200G>A, p.Gly1067Asp (NM_001128844.3, NM_001128845.2, NM_001128846.2 and 4 more transcripts); short protein forms G1067D.
Identifiers: ClinVar variation 1017819 (VCV001017819.8), dbSNP rs2090254973, ClinGen allele CA404060134.